The following is an entry in ClinVar:

ClinVar aggregate classification (germline): Uncertain significance (1 of 4 stars; one submission).

Submission:

Ambry Genetics
Classification: Uncertain significance. Last evaluated: 2024-01-19. Review status: criteria provided, single submitter. Criteria: Ambry Variant Classification Scheme 2023. Collection method: clinical testing. Allele origin: germline.
Comment: The p.L31F variant (also known as c.91C>T), located in coding exon 1 of the MLH3 gene, results from a C to T substitution at nucleotide position 91. The leucine at codon 31 is replaced by phenylalanine, an amino acid with highly similar properties. This amino acid position is conserved. In addition, the in silico prediction for this alteration is inconclusive. Based on the available evidence, the clinical significance of this alteration remains unclear.

NM_001040108.2(MLH3):c.91C>T (p.Leu31Phe)

Gene: MLH3 (mutL homolog 3; minus strand). Cytogenetic location: 14q24.3.
Variant type: single nucleotide variant.
Coding change: c.91C>T on transcript NM_001040108.2 (MANE Select); coding-DNA position 91, C replaced by T.
Protein change: p.Leu31Phe; replaces leucine 31 with phenylalanine.
Molecular consequence: missense variant.
Genome position (GRCh38, 1-based): chr14:75,049,565, G>A on the plus strand (C>T on the coding strand, the complement: MLH3 is on the minus strand). VCF-style: chr14-75049565-G-A. GRCh37 (hg19) VCF-style: chr14-75516268-G-A.
Other names: c.91C>T, p.Leu31Phe (NM_014381.3); short protein forms L31F.
Identifiers: ClinVar variation 3232603 (VCV003232603.1), dbSNP rs2139613860, ClinGen allele CA390451655.